The following is an entry in ClinVar:

ClinVar aggregate classification (germline): Uncertain significance (1 of 4 stars; one submission).

Submission:

Labcorp Genetics (formerly Invitae), Labcorp
Classification: Uncertain significance. Last evaluated: 2021-06-04. Review status: criteria provided, single submitter. Criteria: Invitae Variant Classification Sherloc (09022015). Collection method: clinical testing. Allele origin: germline.
Comment: This sequence change replaces histidine with glutamine at codon 28 of the ADCY5 protein (p.His28Gln). The histidine residue is highly conserved and there is a small physicochemical difference between histidine and glutamine. The frequency data for this variant in the population databases is considered unreliable, as metrics indicate insufficient coverage at this position in the ExAC database. This variant has not been reported in the literature in individuals with ADCY5-related conditions. Advanced modeling of protein sequence and biophysical properties (such as structural, functional, and spatial information, amino acid conservation, physicochemical variation, residue mobility, and thermodynamic stability) performed at Invitae indicates that this missense variant is not expected to disrupt ADCY5 protein function. In summary, the available evidence is currently insufficient to determine the role of this variant in disease. Therefore, it has been classified as a Variant of Uncertain Significance.

NM_183357.3(ADCY5):c.84C>A (p.His28Gln)

Gene: ADCY5 (adenylate cyclase 5; minus strand). Cytogenetic location: 3q21.1.
Variant type: single nucleotide variant.
Coding change: c.84C>A on transcript NM_183357.3 (MANE Select); coding-DNA position 84, C replaced by A.
Protein change: p.His28Gln; replaces histidine 28 with glutamine.
Molecular consequence: missense variant.
Genome position (GRCh38, 1-based): chr3:123,448,462, G>T on the plus strand (C>A on the coding strand, the complement: ADCY5 is on the minus strand). VCF-style: chr3-123448462-G-T. GRCh37 (hg19) VCF-style: chr3-123167309-G-T.
Other names: c.84C>A, p.His28Gln (NM_001378259.1); short protein forms H28Q.
Identifiers: ClinVar variation 1510836 (VCV001510836.8), dbSNP rs1007815586, ClinGen allele CA354358952.